The following is an entry in ClinVar:

ClinVar aggregate classification (germline): Conflicting classifications of pathogenicity. Review status: criteria provided, conflicting classifications (1 of 4 stars). 10 submissions from 9 submitters: Uncertain significance (2); Benign (2); Likely benign (5). 1 of the submissions does not count toward it. Last evaluated 2026-02-03.

Conditions:
JUP-related disorder. Also called: JUP-related condition.
Cardiovascular phenotype. Identifiers: MedGen CN230736.
Arrhythmogenic right ventricular dysplasia 12. Also called: ARRHYTHMOGENIC RIGHT VENTRICULAR DYSPLASIA, FAMILIAL, 12. Identifiers: MedGen C1969081, MONDO:0012684, OMIM 611528.
Naxos disease (NXD). Also called: KERATOSIS PALMOPLANTARIS WITH ARRHYTHMOGENIC CARDIOMYOPATHY; MAL DE NAXOS; PALMOPLANTAR KERATODERMA WITH ARRHYTHMOGENIC RIGHT VENTRICULAR CARDIOMYOPATHY AND WOOLLY HAIR; CARDIOMYOPATHY, ARRHYTHMOGENIC RIGHT VENTRICULAR, WITH SKIN, HAIR, AND NAIL ABNORMALITIES; WOOLLY HAIR, PALMOPLANTAR KERATODERMA, AND CARDIAC ABNORMALITIES. Identifiers: Orphanet 34217, MedGen C1832600, MONDO:0011017, OMIM 601214.
Cardiomyopathy (CMYO). Also called: Cardiomyopathies. Identifiers: Orphanet 167848, MedGen C0878544, MONDO:0004994, HP:0001638. Inheritance: Various modes of inheritance.

Allele frequency attached by ClinVar (database versions not stated): gnomAD 0.00038; TOPMed 0.00043; 1000 Genomes Project 0.00120; 1000 Genomes Project 30x 0.00125.
gnomAD v4.1: 354 of 1,612,190 alleles (0.022%); highest among the groups gnomAD compares: East Asian, 0.32%; 2 homozygotes.

Submissions (10):

Labcorp Genetics (formerly Invitae), Labcorp
Classification: Benign for Arrhythmogenic right ventricular dysplasia 12; Naxos disease. Last evaluated: 2026-02-03. Review status: criteria provided, single submitter. Criteria: Invitae Variant Classification Sherloc (09022015). Collection method: clinical testing. Allele origin: germline.

Mayo Clinic Laboratories, Mayo Clinic
Classification: Likely benign. Last evaluated: 2025-05-30. Review status: criteria provided, single submitter. Criteria: ACMG Guidelines, 2015. Collection method: clinical testing. Allele origin: germline. Observed: 1 variant allele.
Comment: BS1

Molecular Diagnostic Laboratory for Inherited Cardiovascular Disease, Montreal Heart Institute
Classification: Likely benign. Last evaluated: 2025-04-09. Review status: criteria provided, single submitter. Criteria: ACMG Guidelines, 2015. Collection method: clinical testing. Allele origin: germline. Affected: no.

Blueprint Genetics
Classification: Likely benign. Last evaluated: 2024-10-15. Review status: criteria provided, single submitter. Criteria: ACMG Guidelines, 2015. Collection method: clinical testing. Allele origin: germline.

CHEO Genetics Diagnostic Laboratory, Children's Hospital of Eastern Ontario
Classification: Benign for Cardiomyopathy. Last evaluated: 2021-11-25. Review status: criteria provided, single submitter. Criteria: ACMG Guidelines, 2015. Collection method: clinical testing. Allele origin: germline.

Ambry Genetics
Classification: Likely benign for Cardiovascular phenotype. Last evaluated: 2021-02-17. Review status: criteria provided, single submitter. Criteria: Ambry Variant Classification Scheme 2023. Collection method: clinical testing. Allele origin: germline.

GeneDx
Classification: Likely benign. Last evaluated: 2020-01-08. Review status: criteria provided, single submitter. Criteria: GeneDx Variant Classification Process June 2021. Collection method: clinical testing. Allele origin: germline. Affected: yes.
Comment: This variant is associated with the following publications: (PMID: 27037756, 20864495, 31402444)

Illumina Laboratory Services, Illumina
Classification: Uncertain significance for Naxos disease. Last evaluated: 2017-04-28. Review status: criteria provided, single submitter. Criteria: ICSL Variant Classification Criteria 13 December 2019. Collection method: clinical testing. Allele origin: germline.

Illumina Laboratory Services, Illumina
Classification: Uncertain significance for Arrhythmogenic right ventricular dysplasia 12. Last evaluated: 2017-04-28. Review status: criteria provided, single submitter. Criteria: ICSL Variant Classification Criteria 13 December 2019. Collection method: clinical testing. Allele origin: germline.
Comment: This variant was observed as part of a predisposition screen in an ostensibly healthy population. A literature search was performed for the gene, cDNA change, and amino acid change (where applicable). Publications were found based on this search. However, the evidence from the literature, in combination with allele frequency data from public databases where available, was not sufficient to rule this variant in or out of causing disease. Therefore, this variant is classified as a variant of unknown significance.

PreventionGenetics, part of Exact Sciences
Classification: Likely benign for JUP-related condition. Last evaluated: 2023-10-24. Review status: no assertion criteria provided. Collection method: clinical testing. Allele origin: germline. Not counted in ClinVar's aggregate classification.
Comment: This variant is classified as likely benign based on ACMG/AMP sequence variant interpretation guidelines (Richards et al. 2015 PMID: 25741868, with internal and published modifications).

Literature cited by the submitters: PubMed 20864495 (cited by Mayo Clinic Laboratories, Mayo Clinic and Illumina Laboratory Services, Illumina); PubMed 31402444 (cited by Mayo Clinic Laboratories, Mayo Clinic); PubMed 34426522 (cited by Mayo Clinic Laboratories, Mayo Clinic); PubMed 36264615 (cited by Mayo Clinic Laboratories, Mayo Clinic).

NM_002230.4(JUP):c.1807G>T (p.Val603Leu)

Gene: JUP (junction plakoglobin; minus strand). Cytogenetic location: 17q21.2.
Variant type: single nucleotide variant.
Coding change: c.1807G>T on transcript NM_002230.4 (MANE Select); coding-DNA position 1807, G replaced by T.
Protein change: p.Val603Leu; replaces valine 603 with leucine.
Molecular consequence: missense variant.
Genome position (GRCh38, 1-based): chr17:41,757,751, C>A on the plus strand (G>T on the coding strand, the complement: JUP is on the minus strand). VCF-style: chr17-41757751-C-A. GRCh37 (hg19) VCF-style: chr17-39914003-C-A.
Other names: p.V603L:GTG>TTG; p.Val603Leu; c.1807G>T, p.Val603Leu (NM_001352773.2, NM_001352774.2, NM_001352775.2 and 3 more transcripts); c.1807G>T (NM_021991.2, NM_002230.3); short protein forms V603L.
Identifiers: ClinVar variation 180376 (VCV000180376.26), dbSNP rs200327969, ClinGen allele CA308581.